The following is an entry in ClinVar:

NM_006208.3(ENPP1):c.1540T>C (p.Leu514=)

Gene: ENPP1 (ectonucleotide pyrophosphatase/phosphodiesterase 1; plus strand). Cytogenetic location: 6q23.2.
Variant type: single nucleotide variant.
Coding change: c.1540T>C on transcript NM_006208.3 (MANE Select); coding-DNA position 1540, T replaced by C.
Protein change: p.Leu514=; no amino-acid change (leucine 514 retained).
Molecular consequence: synonymous variant.
Genome position (GRCh38, 1-based): chr6:131,873,025, T>C. VCF-style: chr6-131873025-T-C. GRCh37 (hg19) VCF-style: chr6-132194165-T-C.
Identifiers: ClinVar variation 355342 (VCV000355342.11), dbSNP rs536023117, ClinGen allele CA4002233.

ClinVar aggregate classification (germline): Conflicting classifications of pathogenicity. Review status: criteria provided, conflicting classifications (1 of 4 stars). 4 submissions from 3 submitters: Uncertain significance (2); Benign (1). 1 of the submissions does not count toward it. Last evaluated 2025-09-03.

Conditions:
ENPP1-related disorder. Also called: ENPP1-related condition; ENPP1-related disorders.
Hypophosphatemic rickets, autosomal recessive, 2 (ARHR2). Identifiers: Orphanet 289176, MedGen C2750078, MONDO:0013219, OMIM 613312.
Arterial calcification, generalized, of infancy, 1 (GACI1). Also called: Idiopathic Infantile Arterial Calcification. Identifiers: Orphanet 51608, MedGen C4551985, MONDO:0008817, OMIM 208000.

Allele frequency attached by ClinVar (database versions not stated): gnomAD exomes 0.00004 and 0.00019; gnomAD 0.00007 and 0.00008; TOPMed 0.00008; ExAC 0.00016; 1000 Genomes Project 30x 0.00031; 1000 Genomes Project 0.00040.
gnomAD v4.1: 73 of 1,613,818 alleles (0.0045%); highest among the groups gnomAD compares: East Asian, 0.15%; no homozygotes.

Submissions (4):

Labcorp Genetics (formerly Invitae), Labcorp
Classification: Benign. Last evaluated: 2025-09-03. Review status: criteria provided, single submitter. Criteria: Invitae Variant Classification Sherloc (09022015). Collection method: clinical testing. Allele origin: germline.

Illumina Laboratory Services, Illumina
Classification: Uncertain significance for Arterial calcification, generalized, of infancy, 1. Last evaluated: 2018-01-13. Review status: criteria provided, single submitter. Criteria: ICSL Variant Classification Criteria 13 December 2019. Collection method: clinical testing. Allele origin: germline.

Illumina Laboratory Services, Illumina
Classification: Uncertain significance for Hypophosphatemic rickets, autosomal recessive, 2. Last evaluated: 2018-01-13. Review status: criteria provided, single submitter. Criteria: ICSL Variant Classification Criteria 13 December 2019. Collection method: clinical testing. Allele origin: germline.

PreventionGenetics, part of Exact Sciences
Classification: Likely benign for ENPP1-related condition. Last evaluated: 2019-06-19. Review status: no assertion criteria provided. Collection method: clinical testing. Allele origin: germline. Not counted in ClinVar's aggregate classification.
Comment: This variant is classified as likely benign based on ACMG/AMP sequence variant interpretation guidelines (Richards et al. 2015 PMID: 25741868, with internal and published modifications).